The following is an entry in ClinVar:

NM_002430.3(MN1):c.1424G>T (p.Gly475Val)

Gene: MN1 (MN1 proto-oncogene, transcriptional regulator; minus strand). Cytogenetic location: 22q12.1.
Variant type: single nucleotide variant.
Coding change: c.1424G>T on transcript NM_002430.3 (MANE Select); coding-DNA position 1424, G replaced by T.
Protein change: p.Gly475Val; replaces glycine 475 with valine.
Molecular consequence: missense variant.
Genome position (GRCh38, 1-based): chr22:27,799,120, C>A on the plus strand (G>T on the coding strand, the complement: MN1 is on the minus strand). VCF-style: chr22-27799120-C-A. GRCh37 (hg19) VCF-style: chr22-28195108-C-A.
Other names: short protein forms G475V.
Identifiers: ClinVar variation 4975725 (VCV004975725.1).

ClinVar aggregate classification (germline): Uncertain significance (1 of 4 stars; one submission).

Submission:

GeneDx
Classification: Uncertain significance. Last evaluated: 2026-01-26. Review status: criteria provided, single submitter. Criteria: GeneDx Variant Classification Process June 2021. Collection method: clinical testing. Allele origin: germline.
Comment: Not observed at significant frequency in large population cohorts (gnomAD); In silico analysis supports that this missense variant has a deleterious effect on protein structure/function; Has not been previously published as pathogenic or benign to our knowledge